The following is an entry in ClinVar:

ClinVar aggregate classification (germline): Conflicting classifications of pathogenicity. Review status: criteria provided, conflicting classifications (1 of 4 stars). 5 submissions from 5 submitters: Uncertain significance (2); Likely benign (2). 1 of the submissions does not count toward it. Last evaluated 2025-08-07.

Conditions:
WHRN-related disorder. Also called: WHRN-related condition.

Allele frequency attached by ClinVar (database versions not stated): ESP Exome Variant Server 0.00015; 1000 Genomes Project 30x 0.00016; 1000 Genomes Project 0.00020; TOPMed 0.00020; gnomAD 0.00037 and 0.00039; gnomAD exomes 0.00039; ExAC 0.00051.
gnomAD v4.1: 602 of 1,603,318 alleles (0.038%); highest among the groups gnomAD compares: Non-Finnish European, 0.033%; 1 homozygote.

Submissions (5):

GeneDx
Classification: Uncertain significance. Last evaluated: 2025-08-07. Review status: criteria provided, single submitter. Criteria: GeneDx Variant Classification Process June 2021. Collection method: clinical testing. Allele origin: germline.
Comment: In silico analysis suggests that this missense variant does not alter protein structure/function; Has not been previously published as pathogenic or benign to our knowledge

Blueprint Genetics
Classification: Likely benign. Last evaluated: 2024-09-04. Review status: criteria provided, single submitter. Criteria: ACMG Guidelines, 2015. Collection method: clinical testing. Allele origin: germline.

Labcorp Genetics (formerly Invitae), Labcorp
Classification: Uncertain significance. Last evaluated: 2022-08-31. Review status: criteria provided, single submitter. Criteria: Invitae Variant Classification Sherloc (09022015). Collection method: clinical testing. Allele origin: germline.
Comment: This sequence change replaces alanine, which is neutral and non-polar, with threonine, which is neutral and polar, at codon 560 of the WHRN protein (p.Ala560Thr). This variant is present in population databases (rs182072601, gnomAD 0.2%), and has an allele count higher than expected for a pathogenic variant. This variant has not been reported in the literature in individuals affected with WHRN-related conditions. ClinVar contains an entry for this variant (Variation ID: 163047). Algorithms developed to predict the effect of missense changes on protein structure and function output the following: SIFT: "Tolerated"; PolyPhen-2: "Benign"; Align-GVGD: "Class C0". The threonine amino acid residue is found in multiple mammalian species, which suggests that this missense change does not adversely affect protein function. In summary, the available evidence is currently insufficient to determine the role of this variant in disease. Therefore, it has been classified as a Variant of Uncertain Significance.

Laboratory for Molecular Medicine, Mass General Brigham Personalized Medicine
Classification: Likely benign. Last evaluated: 2014-05-13. Review status: criteria provided, single submitter. Criteria: LMM Criteria. Collection method: clinical testing. Allele origin: germline. Observed: 1 variant allele.
Comment: Ala560Thr variant in exon 8 of DFNB31: This variant is not expected to have clin ical significance due to a lack of conservation across species, with threonine ( Thr) present at this position in many species including primates and other mamma ls. It has been identified in 0.02% (2/8598) of European American chromosomes b y the NHLBI Exome Sequencing Project and in 1/186 Finnish chromosomes by the 100 0 Genome Project (dbSNPrs182072601).

PreventionGenetics, part of Exact Sciences
Classification: Likely benign for WHRN-related condition. Last evaluated: 2024-08-24. Review status: no assertion criteria provided. Collection method: clinical testing. Allele origin: germline. Not counted in ClinVar's aggregate classification.
Comment: This variant is classified as likely benign based on ACMG/AMP sequence variant interpretation guidelines (Richards et al. 2015 PMID: 25741868, with internal and published modifications).

NM_015404.4(WHRN):c.1678G>A (p.Ala560Thr)

Gene: WHRN (whirlin; minus strand). Cytogenetic location: 9q32.
Variant type: single nucleotide variant.
Coding change: c.1678G>A on transcript NM_015404.4 (MANE Select); coding-DNA position 1678, G replaced by A.
Protein change: p.Ala560Thr; replaces alanine 560 with threonine.
Molecular consequence: missense variant.
Genome position (GRCh38, 1-based): chr9:114,407,967, C>T on the plus strand (G>A on the coding strand, the complement: WHRN is on the minus strand). VCF-style: chr9-114407967-C-T. GRCh37 (hg19) VCF-style: chr9-117170247-C-T.
Other names: c.1678G>A (NM_015404.2); c.529G>A, p.Ala177Thr (NM_001083885.3); c.1678G>A, p.Ala560Thr (NM_001173425.2); c.625G>A, p.Ala209Thr (NM_001346890.1); short protein forms A560T, A177T, A209T.
Identifiers: ClinVar variation 163047 (VCV000163047.14), dbSNP rs182072601, ClinGen allele CA175636.
Genomic context (GRCh38, chr9:114,407,967, plus strand): 5'-ACCAGGGAGAGCAGAACCAAAGGGCCAGCCAGGGCCTTACCACGGACACATCTGGGAGGG[C>T]GTTGATATTGCCCTGGACAGCCTCGCCAGTTTCCTCCAGGTCCAGAGTGTTCTAGAAATG-3'
Protein context (NP_056219.3, residues 550-570): TGEAVQGNIN[Ala560Thr]LPDVSVDDVR